The following is an entry in ClinVar:

ClinVar aggregate classification (germline): Uncertain significance (1 of 4 stars; one submission).

Conditions:
Spastic paraplegia. Identifiers: MedGen C0037772, HP:0001258.

Allele frequency attached by ClinVar (database versions not stated): TOPMed below 0.00001.

Submission:

Labcorp Genetics (formerly Invitae), Labcorp
Classification: Uncertain significance for Spastic paraplegia. Last evaluated: 2022-02-12. Review status: criteria provided, single submitter. Criteria: Invitae Variant Classification Sherloc (09022015). Collection method: clinical testing. Allele origin: germline.
Comment: In summary, the available evidence is currently insufficient to determine the role of this variant in disease. Therefore, it has been classified as a Variant of Uncertain Significance. Advanced modeling of protein sequence and biophysical properties (such as structural, functional, and spatial information, amino acid conservation, physicochemical variation, residue mobility, and thermodynamic stability) performed at Invitae indicates that this missense variant is not expected to disrupt KIF5A protein function. This variant has not been reported in the literature in individuals affected with KIF5A-related conditions. This variant is not present in population databases (gnomAD no frequency). This sequence change replaces lysine, which is basic and polar, with glutamine, which is neutral and polar, at codon 759 of the KIF5A protein (p.Lys759Gln).

NM_004984.4(KIF5A):c.2275A>C (p.Lys759Gln)

Gene: KIF5A (kinesin family member 5A; plus strand). Cytogenetic location: 12q13.3.
Variant type: single nucleotide variant.
Coding change: c.2275A>C on transcript NM_004984.4 (MANE Select); coding-DNA position 2275, A replaced by C.
Protein change: p.Lys759Gln; replaces lysine 759 with glutamine.
Molecular consequence: missense variant.
Genome position (GRCh38, 1-based): chr12:57,576,837, A>C. VCF-style: chr12-57576837-A-C. GRCh37 (hg19) VCF-style: chr12-57970620-A-C.
Other names: c.2008A>C, p.Lys670Gln (NM_001354705.2); short protein forms K759Q, K670Q.
Identifiers: ClinVar variation 2086509 (VCV002086509.4), dbSNP rs1882442328, ClinGen allele CA385511622.